The following is an entry in ClinVar:

NM_001142864.4(PIEZO1):c.3630C>G (p.Ala1210=)

Gene: PIEZO1 (piezo type mechanosensitive ion channel component 1 (Er blood group); minus strand). Cytogenetic location: 16q24.3.
Variant type: single nucleotide variant.
Coding change: c.3630C>G on transcript NM_001142864.4 (MANE Select); coding-DNA position 3630, C replaced by G.
Protein change: p.Ala1210=; no amino-acid change (alanine 1210 retained).
Molecular consequence: synonymous variant.
Genome position (GRCh38, 1-based): chr16:88,726,784, G>C on the plus strand (C>G on the coding strand, the complement: PIEZO1 is on the minus strand). VCF-style: chr16-88726784-G-C. GRCh37 (hg19) VCF-style: chr16-88793192-G-C.
Other names: p.Ala1210=.
Identifiers: ClinVar variation 4684142 (VCV004684142.1).

ClinVar aggregate classification (germline): Likely benign (1 of 4 stars; one submission).

gnomAD v4.1: 3 of 1,550,256 alleles (0.00019%); highest among the groups gnomAD compares: African/African-American, 0.0041%; no homozygotes.

Submission:

Mayo Clinic Laboratories, Mayo Clinic
Classification: Likely benign. Last evaluated: 2025-10-19. Review status: criteria provided, single submitter. Criteria: ACMG Guidelines, 2015. Collection method: clinical testing. Allele origin: germline. Observed: 1 variant allele.
Comment: BP4, BP7, PM2_supporting